The following is an entry in ClinVar:

NM_001127898.4(CLCN5):c.1441A>T (p.Lys481Ter)

Gene: CLCN5 (Cl-/H+ antiporter 5; plus strand). Cytogenetic location: Xp11.23.
Variant type: single nucleotide variant.
Coding change: c.1441A>T on transcript NM_001127898.4 (MANE Select); coding-DNA position 1441, A replaced by T.
Protein change: p.Lys481Ter; replaces lysine 481 with a stop codon.
Molecular consequence: nonsense.
Genome position (GRCh38, 1-based): chrX:50,086,754, A>T. VCF-style: chrX-50086754-A-T. GRCh37 (hg19) VCF-style: chrX-49851411-A-T.
Other names: c.1231A>T, p.Lys411Ter (NM_000084.5); c.1441A>T, p.Lys481Ter (NM_001127899.4); c.1291A>T, p.Lys431Ter (NM_001282163.2); short protein forms K411*, K431*, K481*.
Identifiers: ClinVar variation 975058 (VCV000975058.3), dbSNP rs1933903437, ClinGen allele CA413186189.
Genomic context (GRCh38, chrX:50,086,754, plus strand): 5'-GACTGTGGCCTTCTGGACTCCTCCAAGCTCTGTGATTATGAGAACCGTTTCAACACAAGC[A>T]AAGGGGGTGAACTGCCTGACAGACCGGCTGGCGTGGGAGTCTACAGTGCAATGTGGCAGC-3'

ClinVar aggregate classification (germline): Pathogenic (1 of 4 stars; one submission).

Conditions:
Dent disease type 1 (DENT1). Also called: NEPHROLITHIASIS 2; NEPHROLITHIASIS, HYPERCALCIURIC, X-LINKED. Identifiers: Orphanet 1652, Orphanet 93622, MedGen C1848336, MONDO:0010225, OMIM 300009.

Submission:

Victorian Clinical Genetics Services, Murdoch Childrens Research Institute
Classification: Pathogenic for Dent disease type 1. Last evaluated: 2018-10-25. Review status: criteria provided, single submitter. Criteria: ACMG Guidelines, 2015. Collection method: clinical testing. Allele origin: unknown. Affected: yes.
Comment: A hemizygous nonsense variant, NM_000084.4(CLCN5):c.1231A>T, has been identified in exon 8 of 12 of the CLCN5 gene. The variant is predicted to result in a premature stop codon at position 411 of the protein (NP_000075.1(CLCN5):p.(Lys411*)). It is predicted to result in loss of protein function through nonsense mediated decay, which is a reported mechanism of pathogenicity for this gene. The variant is absent in population databases (gnomAD, dbSNP, 1000G) and has not been previously reported in clinical cases. However, other pathogenic LoF variants are reported throughout the gene (ClinVar, HGMD). Based on the information available at the time of curation, this variant has been classified as PATHOGENIC.